The following is an entry in ClinVar:

NM_005148.4(UNC119):c.571G>A (p.Glu191Lys)

Gene: UNC119 (unc-119 lipid binding chaperone; minus strand). Cytogenetic location: 17q11.2.
Variant type: single nucleotide variant.
Coding change: c.571G>A on transcript NM_005148.4 (MANE Select); coding-DNA position 571, G replaced by A.
Protein change: p.Glu191Lys; replaces glutamic acid 191 with lysine.
Molecular consequence: missense variant.
Genome position (GRCh38, 1-based): chr17:28,547,716, C>T on the plus strand (G>A on the coding strand, the complement: UNC119 is on the minus strand). VCF-style: chr17-28547716-C-T. GRCh37 (hg19) VCF-style: chr17-26874734-C-T.
Other names: c.286G>A, p.Glu96Lys (NM_001330166.2); c.571G>A, p.Glu191Lys (NM_054035.2); short protein forms E191K, E96K.
Identifiers: ClinVar variation 1390780 (VCV001390780.6), dbSNP rs1405456098, ClinGen allele CA398330620.

ClinVar aggregate classification (germline): Uncertain significance (1 of 4 stars; one submission).

Allele frequency attached by ClinVar (database versions not stated): gnomAD 0.00001.

Submission:

Labcorp Genetics (formerly Invitae), Labcorp
Classification: Uncertain significance. Last evaluated: 2022-07-26. Review status: criteria provided, single submitter. Criteria: Invitae Variant Classification Sherloc (09022015). Collection method: clinical testing. Allele origin: germline.
Comment: Algorithms developed to predict the effect of missense changes on protein structure and function are either unavailable or do not agree on the potential impact of this missense change (SIFT: "Not Available"; PolyPhen-2: "Probably Damaging"; Align-GVGD: "Not Available"). In summary, the available evidence is currently insufficient to determine the role of this variant in disease. Therefore, it has been classified as a Variant of Uncertain Significance. ClinVar contains an entry for this variant (Variation ID: 1390780). This variant has not been reported in the literature in individuals affected with UNC119-related conditions. This variant is present in population databases (no rsID available, gnomAD 0.006%). This sequence change replaces glutamic acid, which is acidic and polar, with lysine, which is basic and polar, at codon 191 of the UNC119 protein (p.Glu191Lys).